The following is an entry in ClinVar:

NM_000465.4(BARD1):c.1313A>C (p.Lys438Thr)

Gene: BARD1 (BRCA1 associated RING domain 1; minus strand). Cytogenetic location: 2q35.
Variant type: single nucleotide variant.
Coding change: c.1313A>C on transcript NM_000465.4 (MANE Select); coding-DNA position 1313, A replaced by C.
Protein change: p.Lys438Thr; replaces lysine 438 with threonine.
Molecular consequence: missense variant. On other transcripts: non-coding transcript variant (2), intron variant (3).
Genome position (GRCh38, 1-based): chr2:214,780,561, T>G on the plus strand (A>C on the coding strand, the complement: BARD1 is on the minus strand). VCF-style: chr2-214780561-T-G. GRCh37 (hg19) VCF-style: chr2-215645285-T-G.
Other names: c.1256A>C, p.Lys419Thr (NM_001282543.2); c.159-28006A>C (NM_001282548.2); c.215+16500A>C (NM_001282545.2); c.364+11736A>C (NM_001282549.2); short protein forms K438T, K419T.
Identifiers: ClinVar variation 2749886 (VCV002749886.3), dbSNP rs2469500313, ClinGen allele CA350453170.

ClinVar aggregate classification (germline): Uncertain significance (1 of 4 stars; one submission).

Conditions:
Familial cancer of breast. Also called: BREAST CANCER, FAMILIAL; hereditary breast carcinoma; Hereditary breast cancer. Identifiers: Orphanet 227535, MedGen C0346153, MONDO:0016419, OMIM 114480. Disease mechanism: loss of function.

Submission:

Labcorp Genetics (formerly Invitae), Labcorp
Classification: Uncertain significance for Familial cancer of breast. Last evaluated: 2023-08-30. Review status: criteria provided, single submitter. Criteria: Invitae Variant Classification Sherloc (09022015). Collection method: clinical testing. Allele origin: germline.
Comment: This sequence change replaces lysine, which is basic and polar, with threonine, which is neutral and polar, at codon 438 of the BARD1 protein (p.Lys438Thr). This variant is not present in population databases (gnomAD no frequency). This variant has not been reported in the literature in individuals affected with BARD1-related conditions. An algorithm developed to predict the effect of missense changes on protein structure and function (PolyPhen-2) suggests that this variant is likely to be disruptive. Studies have shown that this missense change is associated with altered splicing resulting in multiple RNA products (Invitae). In summary, the available evidence is currently insufficient to determine the role of this variant in disease. Therefore, it has been classified as a Variant of Uncertain Significance.